The following is an entry in ClinVar:

NM_002693.3(POLG):c.3421G>A (p.Val1141Met)

Gene: POLG (DNA polymerase gamma, catalytic subunit; minus strand). Cytogenetic location: 15q26.1.
Variant type: single nucleotide variant.
Coding change: c.3421G>A on transcript NM_002693.3 (MANE Select); coding-DNA position 3421, G replaced by A.
Protein change: p.Val1141Met; replaces valine 1141 with methionine.
Molecular consequence: missense variant.
Genome position (GRCh38, 1-based): chr15:89,318,602, C>T on the plus strand (G>A on the coding strand, the complement: POLG is on the minus strand). VCF-style: chr15-89318602-C-T. GRCh37 (hg19) VCF-style: chr15-89861833-C-T.
Other names: c.3421G>A, p.Val1141Met (NM_001126131.2); short protein forms V1141M.
Identifiers: ClinVar variation 1907260 (VCV001907260.5), dbSNP rs751319215, ClinGen allele CA7724144.
Genomic context (GRCh38, chr15:89,318,602, plus strand): 5'-TGGTCAAGAGGTTGGTGATCTGCAAGGCCAGGGCAGCGCGGTAGCGGTCCTCCTCCCGCA[C>T]CAGGTAGCGAACCTCGTCATGGATGCTGATGCAGAAGCGCCCATCTATGGCAAACTCTTC-3'
Protein context (NP_002684.1, residues 1131-1151): ISIHDEVRYL[Val1141Met]REEDRYRAAL

ClinVar aggregate classification (germline): Uncertain significance. Review status: criteria provided, multiple submitters, no conflicts (2 of 4 stars). 2 submissions from 2 submitters: Uncertain significance (2). Last evaluated 2026-08-01.

Conditions:
Progressive sclerosing poliodystrophy (MTDPS4A). Also called: Mitochondrial DNA Depletion Syndrome 4A; Alpers-Huttenlocher Syndrome (AHS); ALPERS PROGRESSIVE INFANTILE POLIODYSTROPHY; NEURONAL DEGENERATION OF CHILDHOOD WITH LIVER DISEASE, PROGRESSIVE; Mitochondrial DNA depletion syndrome 4A (Alpers type); Alpers Syndrome. Identifiers: Orphanet 726, MedGen C0205710, MONDO:0008758, OMIM 203700.

Allele frequency attached by ClinVar (database versions not stated): TOPMed below 0.00001; gnomAD exomes 0.00001; ExAC 0.00006.

Submissions (2):

CeGaT Center for Human Genetics Tuebingen
Classification: Uncertain significance. Last evaluated: 2026-08-01. Review status: criteria provided, single submitter. Criteria: CeGaT Center For Human Genetics Tuebingen Variant Classification Criteria Version 2. Collection method: clinical testing. Allele origin: germline. Affected: yes. Observed: 1 variant allele.
Comment: POLG: PM2, PP3

Labcorp Genetics (formerly Invitae), Labcorp
Classification: Uncertain significance for Progressive sclerosing poliodystrophy. Last evaluated: 2024-08-18. Review status: criteria provided, single submitter. Criteria: Invitae Variant Classification Sherloc (09022015). Collection method: clinical testing. Allele origin: germline.
Comment: This sequence change replaces valine, which is neutral and non-polar, with methionine, which is neutral and non-polar, at codon 1141 of the POLG protein (p.Val1141Met). This variant is present in population databases (rs751319215, gnomAD 0.006%). This variant has not been reported in the literature in individuals affected with POLG-related conditions. ClinVar contains an entry for this variant (Variation ID: 1907260). Invitae Evidence Modeling of protein sequence and biophysical properties (such as structural, functional, and spatial information, amino acid conservation, physicochemical variation, residue mobility, and thermodynamic stability) indicates that this missense variant is expected to disrupt POLG protein function with a positive predictive value of 95%. In summary, the available evidence is currently insufficient to determine the role of this variant in disease. Therefore, it has been classified as a Variant of Uncertain Significance.